The following is an entry in ClinVar:

NM_001211.6(BUB1B):c.1118A>G (p.Lys373Arg)

Gene: BUB1B (BUB1 mitotic checkpoint serine/threonine kinase B; plus strand). Cytogenetic location: 15q15.1.
Variant type: single nucleotide variant.
Coding change: c.1118A>G on transcript NM_001211.6 (MANE Select); coding-DNA position 1118, A replaced by G.
Protein change: p.Lys373Arg; replaces lysine 373 with arginine.
Molecular consequence: missense variant.
Genome position (GRCh38, 1-based): chr15:40,196,604, A>G. VCF-style: chr15-40196604-A-G. GRCh37 (hg19) VCF-style: chr15-40488805-A-G.
Other names: short protein forms K373R.
Identifiers: ClinVar variation 1796733 (VCV001796733.3), dbSNP rs2542550351, ClinGen allele CA391687077.

ClinVar aggregate classification (germline): Uncertain significance (1 of 4 stars; one submission).

Conditions:
Inborn genetic diseases. Identifiers: MedGen C0950123, MeSH D030342.

Allele frequency attached by ClinVar (database versions not stated): gnomAD exomes below 0.00001.
gnomAD v4.1: 2 of 1,614,052 alleles (0.00012%); highest among the groups gnomAD compares: Non-Finnish European, 0.00017%; no homozygotes.

Submission:

Ambry Genetics
Classification: Uncertain significance for Inborn genetic diseases. Last evaluated: 2023-07-08. Review status: criteria provided, single submitter. Criteria: Ambry Variant Classification Scheme 2023. Collection method: clinical testing. Allele origin: germline.
Comment: The p.K373R variant (also known as c.1118A>G), located in coding exon 9 of the BUB1B gene, results from an A to G substitution at nucleotide position 1118. The lysine at codon 373 is replaced by arginine, an amino acid with highly similar properties. This amino acid position is conserved. In addition, this alteration is predicted to be tolerated by in silico analysis. Since supporting evidence is limited at this time, the clinical significance of this alteration remains unclear.